The following is an entry in ClinVar:

ClinVar aggregate classification (germline): Uncertain significance. Review status: criteria provided, multiple submitters, no conflicts (2 of 4 stars). 2 submissions from 2 submitters: Uncertain significance (2). Last evaluated 2024-12-10.

Allele frequency attached by ClinVar (database versions not stated): gnomAD 0.00009; TOPMed 0.00008; ExAC 0.00002.
gnomAD v4.1: 19 of 1,613,910 alleles (0.0012%); highest among the groups gnomAD compares: Admixed American, 0.022%; no homozygotes.

Submissions (2):

GeneDx
Classification: Uncertain significance. Last evaluated: 2024-12-10. Review status: criteria provided, single submitter. Criteria: GeneDx Variant Classification Process June 2021. Collection method: clinical testing. Allele origin: germline. Affected: yes.
Comment: In silico analysis indicates that this missense variant does not alter protein structure/function; Has not been previously published as pathogenic or benign to our knowledge

Labcorp Genetics (formerly Invitae), Labcorp
Classification: Uncertain significance. Last evaluated: 2022-04-07. Review status: criteria provided, single submitter. Criteria: Invitae Variant Classification Sherloc (09022015). Collection method: clinical testing. Allele origin: germline.
Comment: This sequence change replaces alanine, which is neutral and non-polar, with valine, which is neutral and non-polar, at codon 2524 of the CDH23 protein (p.Ala2524Val). This variant is present in population databases (rs753818645, gnomAD 0.009%). This variant has not been reported in the literature in individuals affected with CDH23-related conditions. Algorithms developed to predict the effect of missense changes on protein structure and function are either unavailable or do not agree on the potential impact of this missense change (SIFT: "Deleterious"; PolyPhen-2: "Not Available"; Align-GVGD: "Class C0"). Algorithms developed to predict the effect of sequence changes on RNA splicing suggest that this variant may create or strengthen a splice site. In summary, the available evidence is currently insufficient to determine the role of this variant in disease. Therefore, it has been classified as a Variant of Uncertain Significance.

NM_022124.6(CDH23):c.7571C>T (p.Ala2524Val)

Gene: CDH23 (cadherin related 23; plus strand). Cytogenetic location: 10q22.1.
Variant type: single nucleotide variant.
Coding change: c.7571C>T on transcript NM_022124.6 (MANE Select); coding-DNA position 7571, C replaced by T.
Protein change: p.Ala2524Val; replaces alanine 2524 with valine.
Molecular consequence: missense variant.
Genome position (GRCh38, 1-based): chr10:71,802,986, C>T. VCF-style: chr10-71802986-C-T. GRCh37 (hg19) VCF-style: chr10-73562743-C-T.
Other names: c.851C>T, p.Ala284Val (NM_001171933.1, NM_001171934.1); c.7571C>T (NM_022124.5); short protein forms A2524V, A284V.
Identifiers: ClinVar variation 2168281 (VCV002168281.2), dbSNP rs753818645, ClinGen allele CA5546379.
Genomic context (GRCh38, chr10:71,802,986, plus strand): 5'-ACTGCCGGCCACAGTTCTCCAAGCCCCAGTTCAGCACAAGCGTGTATGAGAATGAGCCGG[C>T]GGGCACCTCGGTCATCACCATGATGGCCACTGACCAGGATGAAGGTCCCAATGGAGAGTT-3'
Protein context (NP_071407.4, residues 2514-2534): FSTSVYENEP[Ala2524Val]GTSVITMMAT